The following is an entry in ClinVar:

ClinVar aggregate classification (germline): Pathogenic (1 of 4 stars; one submission).

Conditions:
Recessive dystrophic epidermolysis bullosa (RDEB). Also called: DYSTROPHIC EPIDERMOLYSIS BULLOSA, AUTOSOMAL RECESSIVE; EPIDERMOLYSIS BULLOSA DYSTROPHICA, HALLOPEAU-SIEMENS TYPE; Hallopeau-Siemens Disease; severe generalized recessive dystrophic epidermolysis bullosa; EPIDERMOLYSIS BULLOSA DYSTROPHICA, GENERALIZED SEVERE, AUTOSOMAL RECESSIVE; Epidermolysis Bullosa Distrophica Autosomal Recessive (RDEB). Identifiers: Orphanet 79408, Orphanet 79409, MedGen C0079474, MONDO:0009179, OMIM 226600.

Submission:

Myriad Genetics, Inc.
Classification: Pathogenic for Recessive dystrophic epidermolysis bullosa. Last evaluated: 2026-04-06. Review status: criteria provided, single submitter. Criteria: Myriad Autosomal Dominant, Autosomal Recessive and X-Linked Classification Criteria (2023). Collection method: clinical testing. Allele origin: unknown.
Comment: NM_000094.3(COL7A1):c.352_353ins7(R118Pfs*13) is expected to be pathogenic in the context of dystrophic epidermolysis bullosa. This variant is predicted to lead to an abnormal or absent protein product due to the creation of a premature termination codon in COL7A1, a gene where loss-of-function variants are known to be pathogenic. Please note: this variant was assessed in the context of healthy population screening.

NM_000094.4(COL7A1):c.352_353insCCCCCTT (p.Arg118fs)

Gene: COL7A1 (collagen type VII alpha 1 chain; minus strand). Cytogenetic location: 3p21.31.
Variant type: Insertion.
Coding change: c.352_353insCCCCCTT on transcript NM_000094.4 (MANE Select); coding-DNA positions 352 to 353, CCCCCTT inserted.
Protein change: p.Arg118fs; shifts the reading frame from arginine 118.
Molecular consequence: frameshift variant.
Genome position: GRCh38 VCF-style: chr3-48593610-C-CAAGGGGG. GRCh37 (hg19) VCF-style: chr3-48631043-C-CAAGGGGG.
Other names: short protein forms R118fs.
Identifiers: ClinVar variation 5015771 (VCV005015771.1).